The following is an entry in ClinVar:

NM_001378454.1(ALMS1):c.4645dup (p.Arg1549fs)

Gene: ALMS1 (ALMS1 centrosome and basal body associated protein; plus strand). Cytogenetic location: 2p13.1.
Variant type: Duplication.
Coding change: c.4645dup on transcript NM_001378454.1 (MANE Select); coding-DNA position 4645, one base duplicated (A; older notation c.4645dupA).
Protein change: p.Arg1549fs; shifts the reading frame from arginine 1549.
Molecular consequence: frameshift variant.
Genome position (GRCh38, 1-based): chr2:73,451,172, A duplicated. VCF-style (leftmost placement, unchanged base first): chr2-73451171-C-CA. GRCh37 (hg19) VCF-style: chr2-73678298-C-CA.
Other names: c.4648dup, p.Arg1550fs (NM_015120.4); short protein forms R1550fs, R1549fs.
Identifiers: ClinVar variation 437922 (VCV000437922.3), dbSNP rs1553403917, ClinGen allele CA658795815.

ClinVar aggregate classification (germline): Pathogenic. Review status: criteria provided, single submitter (1 of 4 stars). 2 submissions from 2 submitters: Pathogenic (1). 1 of the submissions does not count toward it. Last evaluated 2026-02-25.

Conditions:
Alstrom syndrome (ALMS). Identifiers: Orphanet 64, MedGen C0268425, MONDO:0008763, OMIM 203800.

Submissions (2):

Victorian Clinical Genetics Services, Murdoch Childrens Research Institute
Classification: Pathogenic for Alstrom syndrome. Last evaluated: 2026-02-25. Review status: criteria provided, single submitter. Criteria: ACMG Guidelines, 2015. Collection method: clinical testing. Allele origin: germline. Affected: yes.
Comment: This variant is classified as Pathogenic. Evidence in support of pathogenic classification: Variant is predicted to cause nonsense-mediated decay (NMD) and loss of protein (premature termination codon is located at least 54 nucleotides upstream of the final exon-exon junction); Variant is absent from gnomAD (v2, v3 and v4); This variant has limited previous evidence of pathogenicity in an unrelated individual. This variant has been classified as pathogenic by a clinical laboratory in ClinVar; Other NMD-predicted variants comparable to the one identified in this case have very strong previous evidence for pathogenicity (DECIPHER). Additional information: This variant is heterozygous; This gene is associated with autosomal recessive disease; Loss of function is a known mechanism of disease in this gene and is associated with Alstrom syndrome (MIM#203800); Heterozygous variant detected in trans with a second PATHOGENIC heterozygous variant (NM_001378454.1(ALMS1):c.12299-2A>G) in a recessive disease.

MAGI'S LAB - Medical Genetics Laboratory, MAGI GROUP
Classification: Pathogenic for Alstrom syndrome. Last evaluated: 2017-09-06. Review status: no assertion criteria provided. Collection method: clinical testing. Allele origin: inherited. Inheritance: Autosomal recessive inheritance. Affected: yes. Observed: 1 variant allele, 1 homozygote. Not counted in ClinVar's aggregate classification.
Comment: A vast majority of reported ALMS1 mutations associated to the syndrome are localized in exon 8 (the largest among the 23 exons of the gene) and are almost all stop codon or frameshift variations resulting in the early termination of the protein.

Literature cited by the submitters: PubMed 29079548 (cited by MAGI'S LAB - Medical Genetics Laboratory, MAGI GROUP).